The following is an entry in ClinVar:

NM_001370466.1(NOD2):c.*9G>A

Genes: NOD2 (nucleotide binding oligomerization domain containing 2; plus strand), CYLD-AS1 (CYLD antisense RNA 1; minus strand). Cytogenetic location: 16q12.1.
Variant type: single nucleotide variant.
Coding change: c.*9G>A on transcript NM_001370466.1 (MANE Select); 9 bases downstream of the stop codon, G replaced by A.
Molecular consequence: 3 prime UTR variant. On other transcripts: non-coding transcript variant (1).
Genome position (GRCh38, 1-based): chr16:50,731,828, G>A. VCF-style: chr16-50731828-G-A. GRCh37 (hg19) VCF-style: chr16-50765739-G-A.
Other names: c.*9G>A (NM_001293557.2, NM_022162.3, LRG_177t1).
Identifiers: ClinVar variation 97816 (VCV000097816.1), dbSNP rs104895459, ClinGen allele CA150162.

ClinVar aggregate classification (germline): not provided (0 of 4 stars; one submission).

Conditions:
Blau syndrome (BLAUS). Also called: ARTHROCUTANEOUVEAL GRANULOMATOSIS; GRANULOMATOSIS, FAMILIAL JUVENILE SYSTEMIC; GRANULOMATOSIS, FAMILIAL, BLAU TYPE; GRANULOMATOUS INFLAMMATORY ARTHRITIS, DERMATITIS, AND UVEITIS, FAMILIAL; JABS SYNDROME. Identifiers: Orphanet 90340, MedGen C5201146, MONDO:0008523, OMIM 186580.

Submission:

Unité médicale des maladies autoinflammatoires, CHRU Montpellier
No classification provided. Condition: Sarcoidosis, early-onset. Review status: no classification provided. Collection method: not provided. Allele origin: unknown.
Comment: also involved in OMIM 186580 and 266600